The following is an entry in ClinVar:

ClinVar aggregate classification (germline): Pathogenic/Likely pathogenic. Review status: criteria provided, multiple submitters, no conflicts (2 of 4 stars). 2 submissions from 2 submitters: Pathogenic (1); Likely pathogenic (1). Last evaluated 2025-06-13.

Conditions:
Inborn genetic diseases. Identifiers: MedGen C0950123, MeSH D030342.
MRPS34-related disorder. Also called: MRPS34-related condition.

Submissions (2):

Ambry Genetics
Classification: Pathogenic for Inborn genetic diseases. Last evaluated: 2025-06-13. Review status: criteria provided, single submitter. Criteria: Ambry Variant Classification Scheme 2023. Collection method: clinical testing. Allele origin: germline.
Comment: The c.320_321insAGTA (p.N108Vfs*19) alteration, located in exon 1 (coding exon 1) of the MRPS34 gene, consists of an insertion of AGTA at position 320, causing a translational frameshift with a predicted alternate stop codon after 19 amino acids. This variant is not expected to trigger nonsense-mediated mRNA decay, and impacts the last 50.9% of the protein. However, premature stop codons are typically deleterious in nature and a significant portion of the protein is affected (Ambry internal data). Based on data from gnomAD, this allele has an overall frequency of 0.003% (2/80646) total alleles studied. The highest observed frequency was 0.006% (2/31462) of European (non-Finnish) alleles. Based on the available evidence, this alteration is classified as pathogenic.

PreventionGenetics, part of Exact Sciences
Classification: Likely pathogenic for MRPS34-related condition. Last evaluated: 2023-06-10. Review status: criteria provided, single submitter. Criteria: ACMG Guidelines, 2015. Collection method: clinical testing. Allele origin: germline.
Comment: The MRPS34 c.320_321insAGTA variant is predicted to result in a frameshift and premature protein termination (p.Asn108Valfs*26). To our knowledge, this variant has not been reported in the literature. This variant is reported in 0.0064% of alleles in individuals of European (Non-Finnish) descent in gnomAD. Frameshift variants in MRPS34 are expected to be pathogenic. This variant is interpreted as likely pathogenic.

NM_023936.2(MRPS34):c.320_321insAGTA (p.Asn108fs)

Genes: MRPS34 (mitochondrial ribosomal protein S34; minus strand), LOC130058183 (ATAC-STARR-seq lymphoblastoid silent region 7002; plus strand). Cytogenetic location: 16p13.3.
Variant type: Insertion.
Coding change: c.320_321insAGTA on transcript NM_023936.2 (MANE Select); coding-DNA positions 320 to 321, AGTA inserted.
Protein change: p.Asn108fs; shifts the reading frame from asparagine 108.
Molecular consequence: frameshift variant.
Genome position: GRCh38 VCF-style: chr16-1772799-C-CTACT. GRCh37 (hg19) VCF-style: chr16-1822800-C-CTACT.
Other names: c.320_321insAGTA, p.Asn108fs (NM_001300900.2); c.320_321insAGTA (NM_023936.1); short protein forms N108fs.
Identifiers: ClinVar variation 2629497 (VCV002629497.2), dbSNP rs1212793496, ClinGen allele CA620702127.